The following is an entry in ClinVar:

ClinVar aggregate classification (germline): Uncertain significance. Review status: criteria provided, multiple submitters, no conflicts (2 of 4 stars). 2 submissions from 2 submitters: Uncertain significance (2). Last evaluated 2025-01-13.

Conditions:
Inborn genetic diseases. Identifiers: MedGen C0950123, MeSH D030342.
Hepatic methionine adenosyltransferase deficiency. Also called: Deficiency of methionine adenosyltransferase; Methionine adenosyltransferase deficiency; MAT I/III DEFICIENCY; Isolated Persistent Hypermethioninemia. Identifiers: Orphanet 168598, MedGen C0268621, MeSH C564683, MONDO:0009607, OMIM 250850.

Allele frequency attached by ClinVar (database versions not stated): gnomAD exomes 0.00001 and 0.00002; ExAC 0.00004; TOPMed 0.00004; gnomAD 0.00005; 1000 Genomes Project 30x 0.00031; 1000 Genomes Project 0.00040.
gnomAD v4.1: 22 of 1,613,622 alleles (0.0014%); highest among the groups gnomAD compares: African/African-American, 0.015%; no homozygotes.

Submissions (2):

Labcorp Genetics (formerly Invitae), Labcorp
Classification: Uncertain significance for Hepatic methionine adenosyltransferase deficiency. Last evaluated: 2025-01-13. Review status: criteria provided, single submitter. Criteria: Invitae Variant Classification Sherloc (09022015). Collection method: clinical testing. Allele origin: germline.
Comment: This sequence change replaces proline, which is neutral and non-polar, with leucine, which is neutral and non-polar, at codon 4 of the MAT1A protein (p.Pro4Leu). This variant is present in population databases (rs546790330, gnomAD 0.02%). This variant has not been reported in the literature in individuals affected with MAT1A-related conditions. ClinVar contains an entry for this variant (Variation ID: 1367295). An algorithm developed to predict the effect of missense changes on protein structure and function (PolyPhen-2) suggests that this variant is likely to be tolerated. In summary, the available evidence is currently insufficient to determine the role of this variant in disease. Therefore, it has been classified as a Variant of Uncertain Significance.

Ambry Genetics
Classification: Uncertain significance for Inborn genetic diseases. Last evaluated: 2024-06-05. Review status: criteria provided, single submitter. Criteria: Ambry Variant Classification Scheme 2023. Collection method: clinical testing. Allele origin: germline.

NM_000429.3(MAT1A):c.11C>T (p.Pro4Leu)

Gene: MAT1A (methionine adenosyltransferase 1A; minus strand). Cytogenetic location: 10q22.3.
Variant type: single nucleotide variant.
Coding change: c.11C>T on transcript NM_000429.3 (MANE Select); coding-DNA position 11, C replaced by T.
Protein change: p.Pro4Leu; replaces proline 4 with leucine.
Molecular consequence: missense variant.
Genome position (GRCh38, 1-based): chr10:80,289,413, G>A on the plus strand (C>T on the coding strand, the complement: MAT1A is on the minus strand). VCF-style: chr10-80289413-G-A. GRCh37 (hg19) VCF-style: chr10-82049169-G-A.
Other names: c.11C>T (NM_000429.2); short protein forms P4L.
Identifiers: ClinVar variation 1367295 (VCV001367295.9), dbSNP rs546790330, ClinGen allele CA5576921.
Genomic context (GRCh38, chr10:80,289,413, plus strand): 5'-GACTCCGATGTGAACATGAAGACTCCTTCACTTAGAGAGTGGTCACACAAGCCATCCACC[G>A]GTCCATTCATCTTCTCACACTTCTCCACTCACGCTTCTTTCAGTGAACAATTTTGAGGCT-3'
Protein context (NP_000420.1, residues 1-14): MNG[Pro4Leu]VDGLCDHSLS